The following is an entry in ClinVar:

NM_001130009.3(GEN1):c.1828T>G (p.Leu610Val)

Gene: GEN1 (GEN1 structure-specific endonuclease; plus strand). Cytogenetic location: 2p24.2.
Variant type: single nucleotide variant.
Coding change: c.1828T>G on transcript NM_001130009.3 (MANE Select); coding-DNA position 1828, T replaced by G.
Protein change: p.Leu610Val; replaces leucine 610 with valine.
Molecular consequence: missense variant.
Genome position (GRCh38, 1-based): chr2:17,781,040, T>G. VCF-style: chr2-17781040-T-G. GRCh37 (hg19) VCF-style: chr2-17962307-T-G.
Other names: c.1828T>G, p.Leu610Val (NM_182625.5); short protein forms L610V.
Identifiers: ClinVar variation 4671472 (VCV004671472.1).

ClinVar aggregate classification (germline): Uncertain significance (1 of 4 stars; one submission).

Submission:

Ambry Genetics
Classification: Uncertain significance. Last evaluated: 2025-10-16. Review status: criteria provided, single submitter. Criteria: Ambry Variant Classification Scheme 2023. Collection method: clinical testing. Allele origin: germline.
Comment: The p.L610V variant (also known as c.1828T>G), located in coding exon 13 of the GEN1 gene, results from a T to G substitution at nucleotide position 1828. The leucine at codon 610 is replaced by valine, an amino acid with highly similar properties. This amino acid position is conserved. In addition, this alteration is predicted to be tolerated by in silico analysis. Based on the available evidence, the clinical significance of this variant remains unclear.